The following is an entry in ClinVar:

NM_032229.3(SLITRK6):c.1685G>C (p.Ser562Thr)

Gene: SLITRK6 (SLIT and NTRK like family member 6; minus strand). Cytogenetic location: 13q31.1.
Variant type: single nucleotide variant.
Coding change: c.1685G>C on transcript NM_032229.3 (MANE Select); coding-DNA position 1685, G replaced by C.
Protein change: p.Ser562Thr; replaces serine 562 with threonine.
Molecular consequence: missense variant.
Genome position (GRCh38, 1-based): chr13:85,794,824, C>G on the plus strand (G>C on the coding strand, the complement: SLITRK6 is on the minus strand). VCF-style: chr13-85794824-C-G. GRCh37 (hg19) VCF-style: chr13-86368959-C-G.
Other names: short protein forms S562T.
Identifiers: ClinVar variation 1953516 (VCV001953516.5), dbSNP rs745603361, ClinGen allele CA7015050.

ClinVar aggregate classification (germline): Uncertain significance (1 of 4 stars; one submission).

Allele frequency attached by ClinVar (database versions not stated): gnomAD exomes below 0.00001; ExAC 0.00001; TOPMed 0.00001.

Submission:

Labcorp Genetics (formerly Invitae), Labcorp
Classification: Uncertain significance. Last evaluated: 2022-04-26. Review status: criteria provided, single submitter. Criteria: Invitae Variant Classification Sherloc (09022015). Collection method: clinical testing. Allele origin: germline.
Comment: Algorithms developed to predict the effect of missense changes on protein structure and function are either unavailable or do not agree on the potential impact of this missense change (SIFT: "Deleterious"; PolyPhen-2: "Benign"; Align-GVGD: "Class C0"). This variant has not been reported in the literature in individuals affected with SLITRK6-related conditions. This variant is present in population databases (rs745603361, gnomAD 0.006%). This sequence change replaces serine, which is neutral and polar, with threonine, which is neutral and polar, at codon 562 of the SLITRK6 protein (p.Ser562Thr). In summary, the available evidence is currently insufficient to determine the role of this variant in disease. Therefore, it has been classified as a Variant of Uncertain Significance.